The following is an entry in ClinVar:

NM_017917.4(PPP2R3C):c.678C>G (p.Phe226Leu)

Genes: PPP2R3C (protein phosphatase 2 regulatory subunit B''gamma; minus strand), LOC101927178 (uncharacterized LOC101927178; plus strand). Cytogenetic location: 14q13.2.
Variant type: single nucleotide variant.
Coding change: c.678C>G on transcript NM_017917.4 (MANE Select); coding-DNA position 678, C replaced by G.
Protein change: p.Phe226Leu; replaces phenylalanine 226 with leucine.
Molecular consequence: missense variant. On other transcripts: non-coding transcript variant (1).
Genome position (GRCh38, 1-based): chr14:35,099,280, G>C on the plus strand (C>G on the coding strand, the complement: PPP2R3C is on the minus strand). VCF-style: chr14-35099280-G-C. GRCh37 (hg19) VCF-style: chr14-35568486-G-C.
Other names: c.348C>G, p.Phe116Leu (NM_001305155.2, NM_001305156.2); c.678C>G (NM_017917.3); short protein forms F116L, F226L.
Identifiers: ClinVar variation 2456147 (VCV002456147.4), dbSNP rs768914854, ClinGen allele CA7154391.

ClinVar aggregate classification (germline): Uncertain significance. Review status: criteria provided, multiple submitters, no conflicts (2 of 4 stars). 2 submissions from 2 submitters: Uncertain significance (2). Last evaluated 2025-03-06.

Conditions:
PPP2R3C-related disorder. Also called: PPP2R3C-related condition.

Allele frequency attached by ClinVar (database versions not stated): gnomAD 0.00013; TOPMed 0.00013; ExAC 0.00035.
gnomAD v4.1: 256 of 1,593,832 alleles (0.016%); highest among the groups gnomAD compares: Non-Finnish European, 0.02%; no homozygotes.

Submissions (2):

Ambry Genetics
Classification: Uncertain significance. Last evaluated: 2025-03-06. Review status: criteria provided, single submitter. Criteria: Ambry Variant Classification Scheme 2023. Collection method: clinical testing. Allele origin: germline.

PreventionGenetics, part of Exact Sciences
Classification: Uncertain significance for PPP2R3C-related condition. Last evaluated: 2024-10-31. Review status: criteria provided, single submitter. Criteria: ACMG Guidelines, 2015. Collection method: clinical testing. Allele origin: germline.
Comment: The PPP2R3C c.678C>G variant is predicted to result in the amino acid substitution p.Phe226Leu. To our knowledge, this variant has not been reported in the literature. This variant is reported in 0.030% of alleles in individuals of European (Non-Finnish) descent in gnomAD. At this time, the clinical significance of this variant is uncertain due to the absence of conclusive functional and genetic evidence.